The following is an entry in ClinVar:

NM_020944.3(GBA2):c.323_327del (p.Leu108fs)

Gene: GBA2 (glucosylceramidase beta 2; minus strand). Cytogenetic location: 9p13.3.
Variant type: Deletion.
Coding change: c.323_327del on transcript NM_020944.3 (MANE Select); coding-DNA positions 323 to 327, 5 bases deleted (TAAGC; older notation c.323_327delTAAGC).
Protein change: p.Leu108fs; shifts the reading frame from leucine 108.
Molecular consequence: frameshift variant.
Genome position (GRCh38, 1-based): chr9:35,748,378-35,748,382, GCTTA deleted on the plus strand (TAAGC on the coding strand, the reverse complement: GBA2 is on the minus strand); deleting any 5 consecutive bases within chr9:35,748,378-35,748,383 gives the same sequence; the c. name uses the placement nearest the transcript's 3' end. VCF-style (leftmost placement, unchanged base first): chr9-35748377-TGCTTA-T. GRCh37 (hg19) VCF-style: chr9-35748374-TGCTTA-T.
Other names: c.323_327del, p.Leu108fs (NM_001330660.2); c.323_327delTAAGC (NM_020944.3); short protein forms L108fs.
Identifiers: ClinVar variation 4526006 (VCV004526006.1).

ClinVar aggregate classification (germline): Pathogenic (1 of 4 stars; one submission).

Conditions:
Hereditary spastic paraplegia 46. Also called: Spastic paraplegia 46, autosomal recessive. Identifiers: Orphanet 320391, MedGen C2828721, MONDO:0013737, OMIM 614409.

Submission:

Women's Health and Genetics/Laboratory Corporation of America, LabCorp
Classification: Pathogenic for Hereditary spastic paraplegia 46. Last evaluated: 2025-07-10. Review status: criteria provided, single submitter. Criteria: LabCorp Variant Classification Summary - May 2015. Collection method: clinical testing. Allele origin: germline.
Comment: Variant summary: GBA2 c.323_327delTAAGC (p.Leu108GlnfsX67) results in a premature termination codon, predicted to cause a truncation of the encoded protein or absence of the protein due to nonsense mediated decay, which are commonly known mechanisms for disease. The variant was absent in 251182 control chromosomes. To our knowledge, no occurrence of c.323_327delTAAGC in individuals affected with Spastic Paraplegia 46, Autosomal Recessive and no experimental evidence demonstrating its impact on protein function have been reported. No submitters have cited clinical-significance assessments for this variant to ClinVar. Based on the evidence outlined above, the variant was classified as pathogenic.